The following is an entry in ClinVar:

ClinVar aggregate classification (germline): Likely pathogenic (1 of 4 stars; one submission).

Submission:

Labcorp Genetics (formerly Invitae), Labcorp
Classification: Likely pathogenic. Last evaluated: 2019-01-09. Review status: criteria provided, single submitter. Criteria: Invitae Variant Classification Sherloc (09022015). Collection method: clinical testing. Allele origin: germline.
Comment: In summary, the currently available evidence indicates that the variant is pathogenic, but additional data are needed to prove that conclusively. Therefore, this variant has been classified as Likely Pathogenic. Donor and acceptor splice site variants typically lead to a loss of protein function (PMID: 16199547), and loss-of-function variants in EYS are known to be pathogenic (PMID: 18836446, 20333770). This variant has not been reported in the literature in individuals with EYS-related conditions. This variant is not present in population databases (ExAC no frequency). This sequence change affects a donor splice site in intron 17 of the EYS gene. It is expected to disrupt RNA splicing and likely results in an absent or disrupted protein product.

Literature cited by the submitters: PubMed 16199547; PubMed 18836446; PubMed 20333770.

NM_001142800.2(EYS):c.2738+1G>T

Gene: EYS (EGF-like photoreceptor maintenance factor; minus strand). Cytogenetic location: 6q12.
Variant type: single nucleotide variant.
Coding change: c.2738+1G>T on transcript NM_001142800.2 (MANE Select); the canonical splice donor site of the intron after coding-DNA position 2738, G replaced by T.
Molecular consequence: splice donor variant.
Genome position (GRCh38, 1-based): chr6:64,902,403, C>A on the plus strand (G>T on the coding strand, the complement: EYS is on the minus strand). VCF-style: chr6-64902403-C-A. GRCh37 (hg19) VCF-style: chr6-65612296-C-A.
Other names: c.2738+1G>T (NM_001292009.2).
Identifiers: ClinVar variation 853215 (VCV000853215.8), dbSNP rs1767696253, ClinGen allele CA364785805.